The following is an entry in ClinVar:

NM_001148.6(ANK2):c.9751G>C (p.Ala3251Pro)

Gene: ANK2 (ankyrin 2; plus strand). Cytogenetic location: 4q26.
Variant type: single nucleotide variant.
Coding change: c.9751G>C on transcript NM_001148.6 (MANE Select); coding-DNA position 9751, G replaced by C.
Protein change: p.Ala3251Pro; replaces alanine 3251 with proline.
Molecular consequence: missense variant. On other transcripts: intron variant (68).
Genome position (GRCh38, 1-based): chr4:113,358,369, G>C. VCF-style: chr4-113358369-G-C. GRCh37 (hg19) VCF-style: chr4-114279525-G-C.
Other names: c.9517G>C, p.Ala3173Pro (NM_001386142.1); c.6151G>C, p.Ala2051Pro (NM_001386166.1); c.9892G>C, p.Ala3298Pro (NM_001386174.1); c.9868G>C, p.Ala3290Pro (NM_001386175.1); c.4412-2454G>C (NM_001386186.2, NM_001386148.2); c.4214-2454G>C (NM_001354269.3); c.4292-2454G>C (NM_001386187.2); c.4253-2454G>C (NM_001386147.1); and 35 more; short protein forms A3251P, A2051P, A3173P, A3290P, A3298P.
Identifiers: ClinVar variation 928631 (VCV000928631.1), dbSNP rs2095950515, ClinGen allele CA357938859.
Genomic context (GRCh38, chr4:113,358,369, plus strand): 5'-GGTGATATACCTCCTCTCTCTGGTGTAAAGCAGATATCCTGCCCCGACTCTTCTGAACCA[G>C]CTGTACAAGTCCAGTTAGATTTTTCCACACTCACCAGGTCTGTTTATTCAGATAGGGGTG-3'
Protein context (NP_001139.3, residues 3241-3261): QISCPDSSEP[Ala3251Pro]VQVQLDFSTL

ClinVar aggregate classification (germline): Uncertain significance (1 of 4 stars; one submission).

Submission:

Women's Health and Genetics/Laboratory Corporation of America, LabCorp
Classification: Uncertain significance. Last evaluated: 2019-10-08. Review status: criteria provided, single submitter. Criteria: LabCorp Variant Classification Summary - May 2015. Collection method: clinical testing. Allele origin: germline.
Comment: Variant summary: ANK2 c.9751G>C (p.Ala3251Pro) results in a non-conservative amino acid change in the encoded protein sequence. Three of five in-silico tools predict a benign effect of the variant on protein function. The variant was absent in 250958 control chromosomes. The available data on variant occurrences in the general population are insufficient to allow any conclusion about variant significance. To our knowledge, no occurrence of c.9751G>C in individuals affected with Arrhythmia and no experimental evidence demonstrating its impact on protein function have been reported. No clinical diagnostic laboratories have submitted clinical-significance assessments for this variant to ClinVar after 2014. Based on the evidence outlined above, the variant was classified as uncertain significance.